The following is an entry in ClinVar:

ClinVar aggregate classification (germline): Conflicting classifications of pathogenicity. Review status: criteria provided, conflicting classifications (1 of 4 stars). 5 submissions from 5 submitters: Uncertain significance (3); Likely benign (2). Last evaluated 2025-12-01.

Conditions:
Inborn genetic diseases. Identifiers: MedGen C0950123, MeSH D030342.

Allele frequency attached by ClinVar (database versions not stated): 1000 Genomes Project 30x 0.00016; 1000 Genomes Project 0.00020; gnomAD 0.00026 and 0.00030; TOPMed 0.00029; ExAC 0.00030; gnomAD exomes 0.00030; ESP Exome Variant Server 0.00062.

Submissions (5):

Mayo Clinic Laboratories, Mayo Clinic
Classification: Uncertain significance. Last evaluated: 2025-12-01. Review status: criteria provided, single submitter. Criteria: ACMG Guidelines, 2015. Collection method: clinical testing. Allele origin: germline. Observed: 2 variant alleles.
Comment: BP4

CeGaT Center for Human Genetics Tuebingen
Classification: Likely benign. Last evaluated: 2025-10-01. Review status: criteria provided, single submitter. Criteria: CeGaT Center For Human Genetics Tuebingen Variant Classification Criteria Version 2. Collection method: clinical testing. Allele origin: germline. Affected: yes. Observed: 2 variant alleles.
Comment: DNAJC12: BP4

Labcorp Genetics (formerly Invitae), Labcorp
Classification: Likely benign. Last evaluated: 2025-08-12. Review status: criteria provided, single submitter. Criteria: Invitae Variant Classification Sherloc (09022015). Collection method: clinical testing. Allele origin: germline.

GeneDx
Classification: Uncertain significance. Last evaluated: 2025-06-26. Review status: criteria provided, single submitter. Criteria: GeneDx Variant Classification Process June 2021. Collection method: clinical testing. Allele origin: germline. Affected: yes.
Comment: In silico analysis suggests that this missense variant does not alter protein structure/function; Has not been previously published as pathogenic or benign to our knowledge

Ambry Genetics
Classification: Uncertain significance for Inborn genetic diseases. Last evaluated: 2021-07-09. Review status: criteria provided, single submitter. Criteria: Ambry Variant Classification Scheme 2023. Collection method: clinical testing. Allele origin: germline.

NM_021800.3(DNAJC12):c.479C>T (p.Ser160Phe)

Gene: DNAJC12 (DnaJ heat shock protein family (Hsp40) member C12; minus strand). Cytogenetic location: 10q21.3.
Variant type: single nucleotide variant.
Coding change: c.479C>T on transcript NM_021800.3 (MANE Select); coding-DNA position 479, C replaced by T.
Protein change: p.Ser160Phe; replaces serine 160 with phenylalanine.
Molecular consequence: missense variant.
Genome position (GRCh38, 1-based): chr10:67,805,606, G>A on the plus strand (C>T on the coding strand, the complement: DNAJC12 is on the minus strand). VCF-style: chr10-67805606-G-A. GRCh37 (hg19) VCF-style: chr10-69565364-G-A.
Other names: p.Ser160Phe; c.479C>T (NM_021800.2); short protein forms S160F.
Identifiers: ClinVar variation 1347945 (VCV001347945.30), dbSNP rs150595411, ClinGen allele CA5520802.
Genomic context (GRCh38, chr10:67,805,606, plus strand): 5'-GACCTTCTCCATTCTGCAGTTATATAACGTGACTTACCTGAAGAATCTGAATTTTGCGGG[G>A]AGACTGACTTCTCTAGGGGCTTGGGTTCTTTCTGCTCCGTTTTCTCTGCGGTTGAAGCCA-3'
Protein context (NP_068572.1, residues 150-170): KEPKPLEKSV[Ser160Phe]PQNSDSSGFA